The following is an entry in ClinVar:

ClinVar aggregate classification (germline): Pathogenic (1 of 4 stars; one submission).

Conditions:
Cystinuria (CSNU). Also called: Cystinuria, non-type I; CYSTINURIA, TYPE I; CYSTINURIA, TYPE II; CYSTINURIA, TYPE III. Identifiers: Orphanet 214, MedGen C0010691, MONDO:0009067, OMIM 220100, HP:0003131.

Submission:

Labcorp Genetics (formerly Invitae), Labcorp
Classification: Pathogenic for Cystinuria. Last evaluated: 2022-10-06. Review status: criteria provided, single submitter. Criteria: Invitae Variant Classification Sherloc (09022015). Collection method: clinical testing. Allele origin: germline.
Comment: This premature translational stop signal has been observed in individual(s) with cystinuria (Invitae). For these reasons, this variant has been classified as Pathogenic. This variant disrupts a region of the SLC3A1 protein in which other variant(s) (p.Glu585Alafs*24) have been determined to be pathogenic (PMID: 28717662; Invitae). This suggests that this is a clinically significant region of the protein, and that variants that disrupt it are likely to be disease-causing. ClinVar contains an entry for this variant (Variation ID: 1457004). This variant is not present in population databases (gnomAD no frequency). This sequence change creates a premature translational stop signal (p.Ser531*) in the SLC3A1 gene. While this is not anticipated to result in nonsense mediated decay, it is expected to disrupt the last 155 amino acid(s) of the SLC3A1 protein.

Literature cited by the submitters: PubMed 28717662.

NM_000341.4(SLC3A1):c.1592C>G (p.Ser531Ter)

Gene: SLC3A1 (solute carrier family 3 member 1; plus strand). Cytogenetic location: 2p21.
Variant type: single nucleotide variant.
Coding change: c.1592C>G on transcript NM_000341.4 (MANE Select); coding-DNA position 1592, C replaced by G.
Protein change: p.Ser531Ter; replaces serine 531 with a stop codon.
Molecular consequence: nonsense.
Genome position (GRCh38, 1-based): chr2:44,313,926, C>G. VCF-style: chr2-44313926-C-G. GRCh37 (hg19) VCF-style: chr2-44541065-C-G.
Other names: short protein forms S531*.
Identifiers: ClinVar variation 1457004 (VCV001457004.8), dbSNP rs2104385536, ClinGen allele CA346684954.